The following is an entry in ClinVar:

ClinVar aggregate classification (germline): Uncertain significance (1 of 4 stars; one submission).

Conditions:
Xeroderma pigmentosum (XP). Identifiers: Orphanet 910, MedGen C0043346, MONDO:0019600.

Submission:

Sema4
Classification: Uncertain significance for Xeroderma pigmentosum. Last evaluated: 2021-05-18. Review status: criteria provided, single submitter. Criteria: Sema4 Curation Guidelines. Collection method: curation. Allele origin: germline.
Comment: The DDB2 c.603-4C>G variant has not been reported in the literature to our knowledge. It was not observed in the large and broad cohorts of the Genome Aggregation Database (PMID: 32461654) and has not been reported in ClinVar. In silico tools suggest the variant does not impact splicing, though these predictions have not been confirmed by functional studies. The evidence is insufficient to meet ACMG/AMP criteria for classifying the variant as benign or pathogenic. Thus, the clinical significance of this variant is currently uncertain.

NM_000107.3(DDB2):c.603-4C>G

Gene: DDB2 (damage specific DNA binding protein 2; plus strand). Cytogenetic location: 11p11.2.
Variant type: single nucleotide variant.
Coding change: c.603-4C>G on transcript NM_000107.3 (MANE Select); 4 bases into the intron before coding-DNA position 603, C replaced by G.
Molecular consequence: intron variant.
Genome position (GRCh38, 1-based): chr11:47,234,569, C>G. VCF-style: chr11-47234569-C-G. GRCh37 (hg19) VCF-style: chr11-47256120-C-G.
Other names: c.603-4C>G (NM_001399874.1, NM_001399875.1); c.457-3268C>G (NM_001399876.1, NM_001300734.2); c.411-4C>G (NM_001399878.1).
Identifiers: ClinVar variation 1692148 (VCV001692148.1), dbSNP rs2135511675, ClinGen allele CA2573146354.